The following is an entry in ClinVar:

ClinVar aggregate classification (germline): Uncertain significance. Review status: criteria provided, multiple submitters, no conflicts (2 of 4 stars). 4 submissions from 4 submitters: Uncertain significance (4). Last evaluated 2025-07-15.

Conditions:
Intellectual disability, autosomal dominant 16 (CSS4). Also called: COFFIN-SIRIS SYNDROME 4. Identifiers: Orphanet 1465, MedGen C3553249, MONDO:0013821, OMIM 614609.
Hereditary cancer-predisposing syndrome. Also called: Hereditary neoplastic syndrome; Neoplastic Syndromes, Hereditary; Tumor predisposition; Hereditary Cancer Syndrome. Identifiers: Orphanet 140162, MedGen C0027672, MeSH D009386, MONDO:0015356.
Rhabdoid tumor predisposition syndrome 2 (RTPS2). Identifiers: Orphanet 231108, Orphanet 69077, MedGen C2750074, MONDO:0013224, OMIM 613325.

Submissions (4):

Labcorp Genetics (formerly Invitae), Labcorp
Classification: Uncertain significance for Rhabdoid tumor predisposition syndrome 2. Last evaluated: 2025-07-15. Review status: criteria provided, single submitter. Criteria: Invitae Variant Classification Sherloc (09022015). Collection method: clinical testing. Allele origin: germline.
Comment: This sequence change disrupts the translational stop signal of the SMARCA4 mRNA. It is expected to extend the length of the SMARCA4 protein by 19 additional amino acid residues. This variant is not present in population databases (gnomAD no frequency). This variant has not been reported in the literature in individuals affected with SMARCA4-related conditions. ClinVar contains an entry for this variant (Variation ID: 470435). Experimental studies and prediction algorithms are not available or were not evaluated, and the functional significance of this variant is currently unknown. In summary, the available evidence is currently insufficient to determine the role of this variant in disease. Therefore, it has been classified as a Variant of Uncertain Significance.

GeneDx
Classification: Uncertain significance. Last evaluated: 2024-09-05. Review status: criteria provided, single submitter. Criteria: GeneDx Variant Classification Process June 2021. Collection method: clinical testing. Allele origin: germline. Affected: yes.
Comment: Stop codon loss and change to a cysteine codon, leading to protein extension and the addition of 19 amino acids at the C-terminus; Has not been previously published as pathogenic or benign to our knowledge; Not observed at significant frequency in large population cohorts (gnomAD)

Ambry Genetics
Classification: Uncertain significance for Hereditary cancer-predisposing syndrome. Last evaluated: 2023-10-12. Review status: criteria provided, single submitter. Criteria: Ambry Variant Classification Scheme 2023. Collection method: clinical testing. Allele origin: germline.
Comment: The c.5040A>T variant (also known as p.*1680Cext*19), located in coding exon 35 of the SMARCA4 gene, results from an A to T substitution at nucleotide position 5040, which is the last nucleotide of the SMARCA4 gene. This alteration disrupts the stop codon of the SMARCA4 gene and is predicted to preserve the native sequence while resulting in the elongation of the protein by 19 amino acids. The exact functional effect of the additional amino acids is unknown. This variant has been detected in multiple individuals with no reported features of Coffin-Siris syndrome (Ambry internal data). Based on the supporting evidence, the association of this alteration with rhabdoid tumor predisposition syndrome is unknown; however, the association of this alteration with Coffin-Siris syndrome is unlikely.

Genome-Nilou Lab
Classification: Uncertain significance for Intellectual disability, autosomal dominant 16. Last evaluated: 2021-07-15. Review status: criteria provided, single submitter. Criteria: ACMG Guidelines, 2015. Collection method: clinical testing. Allele origin: germline. Affected: no.

NM_003072.5(SMARCA4):c.4944A>T (p.Ter1648Cys)

Gene: SMARCA4 (SWI/SNF related BAF chromatin remodeling complex subunit ATPase 4; plus strand). Cytogenetic location: 19p13.2.
Variant type: single nucleotide variant.
Coding change: c.4944A>T on transcript NM_003072.5 (MANE Select); coding-DNA position 4944, A replaced by T.
Protein change: p.Ter1648Cys.
Molecular consequence: stop lost. On other transcripts: non-coding transcript variant (1).
Genome position (GRCh38, 1-based): chr19:11,061,816, A>T. VCF-style: chr19-11061816-A-T. GRCh37 (hg19) VCF-style: chr19-11172492-A-T.
Other names: *1680C; *1618C; *1615C; *1617C; *1648C; *1614C; c.4944A>T, p.Ter1648Cys (NM_001128844.3); c.4854A>T, p.Ter1618Cys (NM_001128845.2); and 4 more.
Identifiers: ClinVar variation 470435 (VCV000470435.19), dbSNP rs772894995, ClinGen allele CA404082015.